The following is an entry in ClinVar:

NM_152381.6(XIRP2):c.9450T>C (p.Tyr3150=)

Gene: XIRP2 (xin actin binding repeat containing 2; plus strand). Cytogenetic location: 2q24.3.
Variant type: single nucleotide variant.
Coding change: c.9450T>C on transcript NM_152381.6 (MANE Select); coding-DNA position 9450, T replaced by C.
Protein change: p.Tyr3150=; no amino-acid change (tyrosine 3150 retained).
Molecular consequence: synonymous variant. On other transcripts: intron variant (3).
Genome position (GRCh38, 1-based): chr2:167,250,842, T>C. VCF-style: chr2-167250842-T-C. GRCh37 (hg19) VCF-style: chr2-168107352-T-C.
Other names: c.8784T>C, p.Tyr2928= (NM_001199144.2); c.1276-3190T>C (NM_001199143.2); c.1177-3190T>C (NM_001079810.4); c.511-3190T>C (NM_001199145.2); c.9450T>C (NM_152381.5).
Identifiers: ClinVar variation 783988 (VCV000783988.7), dbSNP rs183864874, ClinGen allele CA1948026.

ClinVar aggregate classification (germline): Benign. Review status: criteria provided, multiple submitters, no conflicts (2 of 4 stars). 3 submissions from 3 submitters: Benign (2). 1 of the submissions does not count toward it. Last evaluated 2019-12-31.

Conditions:
XIRP2-related disorder. Also called: XIRP2-related condition.

Allele frequency attached by ClinVar (database versions not stated): ExAC 0.00094; 1000 Genomes Project 30x 0.00515; gnomAD exomes 0.00082 and 0.00030; ESP Exome Variant Server 0.00159; 1000 Genomes Project 0.00539; TOPMed 0.00350; gnomAD 0.00326 and 0.00348.
gnomAD v4.1: 961 of 1,613,474 alleles (0.06%); highest among the groups gnomAD compares: African/African-American, 1.1%; 3 homozygotes.

Submissions (3):

Labcorp Genetics (formerly Invitae), Labcorp
Classification: Benign. Last evaluated: 2019-12-31. Review status: criteria provided, single submitter. Criteria: Invitae Variant Classification Sherloc (09022015). Collection method: clinical testing. Allele origin: germline.

Breakthrough Genomics
Classification: Benign. Review status: criteria provided, single submitter. Criteria: ACMG Guidelines, 2015. Collection method: not provided. Allele origin: germline. Inheritance: Unknown mechanism. Affected: yes.

PreventionGenetics, part of Exact Sciences
Classification: Benign for XIRP2-related condition. Last evaluated: 2019-12-05. Review status: no assertion criteria provided. Collection method: clinical testing. Allele origin: germline. Not counted in ClinVar's aggregate classification.
Comment: This variant is classified as benign based on ACMG/AMP sequence variant interpretation guidelines (Richards et al. 2015 PMID: 25741868, with internal and published modifications).